The following is an entry in ClinVar:

ClinVar aggregate classification (germline): Uncertain significance (1 of 4 stars; one submission).

Conditions:
Christianson syndrome (MRXSCH). Also called: X-linked mental retardation, syndromic, Christianson type; INTELLECTUAL DEVELOPMENTAL DISORDER, X-LINKED, SYNDROMIC, CHRISTIANSON TYPE; SLC9A6-Related Syndromic Mental Retardation. Identifiers: Orphanet 85278, MedGen C2678194, MONDO:0010278, OMIM 300243.

gnomAD v4.1: 2 of 1,210,819 alleles (0.00017%); highest among the groups gnomAD compares: East Asian, 0.003%; no homozygotes.

Submission:

3billion
Classification: Uncertain significance for Christianson syndrome. Last evaluated: 2025-09-23. Review status: criteria provided, single submitter. Criteria: ACMG Guidelines, 2015. Collection method: clinical testing. Allele origin: germline. Affected: yes.
Comment: The variant is observed at an extremely low frequency in the gnomAD v4.1.0 dataset (total allele frequency: <0.001%). Predicted Consequence/Location: Canonical splice site: predicted to alter splicing and result in a loss or disruption of normal protein function. Multiple pathogenic loss-of-function variants are reported downstream of the variant. In silico tools predict the variant to alter splicing and produce an abnormal transcript [SpliceAI: 0.31 (spliceogenicity >=0.2, non-spliceogenicity <0.1)]. Therefore, this variant is classified as VUS according to the recommendation of ACMG/AMP guideline.

NM_001379110.1(SLC9A6):c.169+2C>T

Genes: SLC9A6 (solute carrier family 9 member A6; plus strand), LOC130068747 (ATAC-STARR-seq lymphoblastoid active region 29988; plus strand). Cytogenetic location: Xq26.3.
Variant type: single nucleotide variant.
Coding change: c.169+2C>T on transcript NM_001379110.1 (MANE Select); the canonical splice donor site of the intron after coding-DNA position 169, C replaced by T.
Molecular consequence: splice donor variant.
Genome position (GRCh38, 1-based): chrX:135,985,829, C>T. VCF-style: chrX-135985829-C-T. GRCh37 (hg19) VCF-style: chrX-135067988-C-T.
Other names: c.169+2C>T (NM_001400909.1, NM_001400910.1, NM_001400911.1 and 4 more transcripts); c.325+2C>T (NM_001438742.1, NM_001042537.2, NM_006359.3).
Identifiers: ClinVar variation 4856131 (VCV004856131.1).